The following is an entry in ClinVar:

NM_016111.4(TELO2):c.662C>A (p.Ala221Asp)

Gene: TELO2 (telomere maintenance 2; plus strand). Cytogenetic location: 16p13.3.
Variant type: single nucleotide variant.
Coding change: c.662C>A on transcript NM_016111.4 (MANE Select); coding-DNA position 662, C replaced by A.
Protein change: p.Ala221Asp; replaces alanine 221 with aspartic acid.
Molecular consequence: missense variant.
Genome position (GRCh38, 1-based): chr16:1,497,084, C>A. VCF-style: chr16-1497084-C-A. GRCh37 (hg19) VCF-style: chr16-1547085-C-A.
Other names: c.662C>A, p.Ala221Asp (NM_001351846.2); short protein forms A221D.
Identifiers: ClinVar variation 1331680 (VCV001331680.4), dbSNP rs2141023618, ClinGen allele CA394208031.
Genomic context (GRCh38, chr16:1,497,084, plus strand): 5'-TTTCTGTCCCAGGTGGCCTGGATTCCTCCGTGTCCTTCGTGTCTCAGGTCCTTGGGAAAG[C>A]CTGTGTCCACGGGAGGCAGCGTGAGTAGAGCAGTGCCTTCCTGCCCATCCTGCCCCGACC-3'
Protein context (NP_057195.2, residues 211-231): VSFVSQVLGK[Ala221Asp]CVHGRQQEIL

ClinVar aggregate classification (germline): Uncertain significance (1 of 4 stars; one submission).

Submission:

Greenwood Genetic Center Diagnostic Laboratories, Greenwood Genetic Center
Classification: Uncertain significance. Last evaluated: 2021-02-02. Review status: criteria provided, single submitter. Criteria: ACMG Guidelines, 2015. Collection method: clinical testing. Allele origin: germline. Affected: yes.
Comment: PM2